The following is an entry in ClinVar:

NM_004006.3(DMD):c.3908C>T (p.Ser1303Phe)

Gene: DMD (dystrophin; minus strand). Cytogenetic location: Xp21.1.
Variant type: single nucleotide variant.
Coding change: c.3908C>T on transcript NM_004006.3 (MANE Select); coding-DNA position 3908, C replaced by T.
Protein change: p.Ser1303Phe; replaces serine 1303 with phenylalanine.
Molecular consequence: missense variant.
Genome position (GRCh38, 1-based): chrX:32,441,193, G>A on the plus strand (C>T on the coding strand, the complement: DMD is on the minus strand). VCF-style: chrX-32441193-G-A. GRCh37 (hg19) VCF-style: chrX-32459310-G-A.
Other names: c.3884C>T, p.Ser1295Phe (NM_000109.4); c.3896C>T, p.Ser1299Phe (NM_004009.3); c.3539C>T, p.Ser1180Phe (NM_004010.3); short protein forms S1180F, S1295F, S1299F, S1303F.
Identifiers: ClinVar variation 2874959 (VCV002874959.3), dbSNP rs2524124540, ClinGen allele CA412670166.
Genomic context (GRCh38, chrX:32,441,193, plus strand): 5'-TAATACTGCATATAAATTATCATCATTTGGCTTAATTTACAACTTACATCTAGCACCTCA[G>A]AGATTTCCTCAGCTCCGCCAGGAATGTTTTCAGTGGTTTTAAGTTTAAATTCTACTTCAT-3'
Protein context (NP_003997.2, residues 1293-1313): ENIPGGAEEI[Ser1303Phe]EVLDSLENLM

ClinVar aggregate classification (germline): Uncertain significance (1 of 4 stars; one submission).

Conditions:
Duchenne muscular dystrophy (DMD). Also called: MUSCULAR DYSTROPHY, PSEUDOHYPERTROPHIC PROGRESSIVE, DUCHENNE TYPE; Duchenne Muscular Dystrophy (DMD). Identifiers: Orphanet 98896, MedGen C0013264, MONDO:0010679, OMIM 310200.

Submission:

Labcorp Genetics (formerly Invitae), Labcorp
Classification: Uncertain significance for Duchenne muscular dystrophy. Last evaluated: 2023-07-09. Review status: criteria provided, single submitter. Criteria: Invitae Variant Classification Sherloc (09022015). Collection method: clinical testing. Allele origin: germline.
Comment: Advanced modeling of protein sequence and biophysical properties (such as structural, functional, and spatial information, amino acid conservation, physicochemical variation, residue mobility, and thermodynamic stability) performed at Invitae indicates that this missense variant is not expected to disrupt DMD protein function. This variant has not been reported in the literature in individuals affected with DMD-related conditions. This variant is not present in population databases (gnomAD no frequency). In summary, the available evidence is currently insufficient to determine the role of this variant in disease. Therefore, it has been classified as a Variant of Uncertain Significance. This sequence change replaces serine, which is neutral and polar, with phenylalanine, which is neutral and non-polar, at codon 1303 of the DMD protein (p.Ser1303Phe).